The following is an entry in ClinVar:

NM_001009944.3(PKD1):c.5855G>A (p.Gly1952Asp)

Gene: PKD1 (polycystin 1, transient receptor potential channel interacting; minus strand). Cytogenetic location: 16p13.3.
Variant type: single nucleotide variant.
Coding change: c.5855G>A on transcript NM_001009944.3 (MANE Select); coding-DNA position 5855, G replaced by A.
Protein change: p.Gly1952Asp; replaces glycine 1952 with aspartic acid.
Molecular consequence: missense variant.
Genome position (GRCh38, 1-based): chr16:2,109,312, C>T on the plus strand (G>A on the coding strand, the complement: PKD1 is on the minus strand). VCF-style: chr16-2109312-C-T. GRCh37 (hg19) VCF-style: chr16-2159313-C-T.
Other names: c.5855G>A, p.Gly1952Asp (NM_000296.4); short protein forms G1952D.
Identifiers: ClinVar variation 972874 (VCV000972874.19), dbSNP rs2092441433, ClinGen allele CA394375297.

ClinVar aggregate classification (germline): Uncertain significance. Review status: criteria provided, multiple submitters, no conflicts (2 of 4 stars). 2 submissions from 2 submitters: Uncertain significance (2). Last evaluated 2025-11-01.

Submissions (2):

CeGaT Center for Human Genetics Tuebingen
Classification: Uncertain significance. Last evaluated: 2025-11-01. Review status: criteria provided, single submitter. Criteria: CeGaT Center For Human Genetics Tuebingen Variant Classification Criteria Version 2. Collection method: clinical testing. Allele origin: germline. Affected: yes. Observed: 2 variant alleles.
Comment: PKD1: PM2, PS4:Moderate, BP4

Molecular Genetics of Inherited Kidney Disorders Laboratory, Garvan Institute of Medical Research
Classification: Uncertain significance. Last evaluated: 2019-01-01. Review status: criteria provided, single submitter. Criteria: ACMG Guidelines, 2015. Collection method: clinical testing. Allele origin: germline. Affected: yes.